The following is an entry in ClinVar:

ClinVar aggregate classification (germline): Pathogenic. Review status: criteria provided, single submitter (1 of 4 stars). 2 submissions from 2 submitters: Pathogenic (1). 1 of the submissions does not count toward it. Last evaluated 2024-09-05.

Conditions:
Developmental and epileptic encephalopathy, 7 (DEE7). Also called: KCNQ2-Related Neonatal Epileptic Encephalopathy; Early infantile epileptic encephalopathy 7; KCNQ2-Related Neonatal-Onset Developmental and Epileptic Encephalopathy (NEO-DEE). Identifiers: Orphanet 439218, MedGen C3150986, MONDO:0013387, OMIM 613720.
KCNQ2-Related Disorders. Also called: KCNQ2-related condition; KCNQ2-related disorder. Identifiers: MedGen CN169299.

Submissions (2):

Blueprint Genetics
Classification: Pathogenic for KCNQ2-related disorders. Last evaluated: 2024-09-05. Review status: criteria provided, single submitter. Criteria: ACMG Guidelines, 2015. Collection method: clinical testing. Allele origin: germline. Affected: yes. Observed: 1 variant allele.

GeneReviews
No classification provided. Condition: Developmental and epileptic encephalopathy, 7. Review status: no classification provided. Collection method: literature only. Allele origin: germline. Affected: yes. Not counted in ClinVar's aggregate classification.
Comment: Parental sequencing was not reported (therefore unknown if de novo or inherited). However, splicing defects are associated with Benign Familial Neonatal Epilepsy, therefore the contribution to the observed phenotype is likely to be partial.

Literature cited by the submitters: PubMed 25959266 (cited by GeneReviews); NCBI Bookshelf NBK32534 (cited by GeneReviews).

NM_172107.4(KCNQ2):c.1024-2A>G

Gene: KCNQ2 (potassium voltage-gated channel subfamily Q member 2; minus strand). Cytogenetic location: 20q13.33.
Variant type: single nucleotide variant.
Coding change: c.1024-2A>G on transcript NM_172107.4 (MANE Select); the canonical splice acceptor site of the intron before coding-DNA position 1024, A replaced by G.
Molecular consequence: splice acceptor variant.
Genome position (GRCh38, 1-based): chr20:63,433,905, T>C on the plus strand (A>G on the coding strand, the complement: KCNQ2 is on the minus strand). VCF-style: chr20-63433905-T-C. GRCh37 (hg19) VCF-style: chr20-62065258-T-C.
Other names: c.1024-2A>G (NM_004518.6, NM_172108.5, NM_172106.3 and 2 more transcripts).
Identifiers: ClinVar variation 369776 (VCV000369776.3), dbSNP rs1057516104, ClinGen allele CA10654803.